The following is an entry in ClinVar:

NM_000321.3(RB1):c.2586T>C (p.Ser862=)

Gene: RB1 (RB transcriptional corepressor 1; plus strand). Cytogenetic location: 13q14.2.
Variant type: single nucleotide variant.
Coding change: c.2586T>C on transcript NM_000321.3 (MANE Select); coding-DNA position 2586, T replaced by C.
Protein change: p.Ser862=; no amino-acid change (serine 862 retained).
Molecular consequence: synonymous variant.
Genome position (GRCh38, 1-based): chr13:48,476,766, T>C. VCF-style: chr13-48476766-T-C. GRCh37 (hg19) VCF-style: chr13-49050902-T-C.
Identifiers: ClinVar variation 821528 (VCV000821528.14), dbSNP rs1593547157, ClinGen allele CA483561043.
Genomic context (GRCh38, chr13:48,476,766, plus strand): 5'-TGAGAAGTTCCAGAAAATAAATCAGATGGTATGTAACAGCGACCGTGTGCTCAAAAGAAG[T>C]GCTGAAGGAAGCAACCCTCCTAAACCACTGAAAAAACTACGCTTTGATATTGAAGGATCA-3'
Protein context (NP_000312.2, residues 852-872): VCNSDRVLKR[Ser862=]AEGSNPPKPL

ClinVar aggregate classification (germline): Likely benign. Review status: criteria provided, multiple submitters, no conflicts (2 of 4 stars). 3 submissions from 3 submitters: Likely benign (3). Last evaluated 2025-12-23.

Conditions:
Retinoblastoma (RB1). Also called: RETINOBLASTOMA, SOMATIC. Identifiers: Orphanet 790, MedGen C0035335, MeSH D012175, MONDO:0008380, OMIM 180200, HP:0009919. Disease mechanism: loss of function. Inheritance: Both sporadic and heritable forms are tested..
Hereditary cancer-predisposing syndrome. Also called: Tumor predisposition; Hereditary Cancer Syndrome; Neoplastic Syndromes, Hereditary; Hereditary neoplastic syndrome. Identifiers: Orphanet 140162, MedGen C0027672, MeSH D009386, MONDO:0015356.

Allele frequency attached by ClinVar (database versions not stated): TOPMed below 0.00001.

Submissions (3):

Labcorp Genetics (formerly Invitae), Labcorp
Classification: Likely benign for Retinoblastoma. Last evaluated: 2025-12-23. Review status: criteria provided, single submitter. Criteria: Invitae Variant Classification Sherloc (09022015). Collection method: clinical testing. Allele origin: germline.

All of Us Research Program, National Institutes of Health
Classification: Likely benign for Retinoblastoma. Last evaluated: 2024-01-11. Review status: criteria provided, single submitter. Criteria: ACMG Guidelines, 2015. Collection method: clinical testing. Allele origin: germline. Inheritance: Autosomal dominant inheritance. Observed: 4 variant alleles, 4 heterozygotes.
Comment: This study involves interpretation of variants in research participants for the purpose of population health screening. Participant phenotype was not available at the time of variant classification. Additional details can be found in publication PMID: 35346344, PMCID: PMC8962531

Ambry Genetics
Classification: Likely benign for Hereditary cancer-predisposing syndrome. Last evaluated: 2018-09-28. Review status: criteria provided, single submitter. Criteria: Ambry Variant Classification Scheme 2023. Collection method: clinical testing. Allele origin: germline.